The following is an entry in ClinVar:

ClinVar aggregate classification (germline): Uncertain significance. Review status: criteria provided, multiple submitters, no conflicts (2 of 4 stars). 2 submissions from 2 submitters: Uncertain significance (2). Last evaluated 2026-06-11.

Conditions:
Hereditary cancer-predisposing syndrome. Also called: Neoplastic Syndromes, Hereditary; Tumor predisposition; Hereditary Cancer Syndrome; Hereditary neoplastic syndrome. Identifiers: Orphanet 140162, MedGen C0027672, MeSH D009386, MONDO:0015356.
Gastrointestinal stromal tumor. Also called: Gastrointestinal stromal tumor, somatic; Gastrointestinal stroma tumor. Identifiers: Orphanet 44890, MedGen C0238198, MeSH D046152, MONDO:0011719, OMIM 606764, HP:0100723.

Submissions (2):

Ambry Genetics
Classification: Uncertain significance for Hereditary cancer-predisposing syndrome. Last evaluated: 2026-06-11. Review status: criteria provided, single submitter. Criteria: Ambry Variant Classification Scheme 2023. Collection method: clinical testing. Allele origin: germline.
Comment: The p.R634L variant (also known as c.1901G>T), located in coding exon 13 of the KIT gene, results from a G to T substitution at nucleotide position 1901. The arginine at codon 634 is replaced by leucine, an amino acid with dissimilar properties. This amino acid position is not well conserved in available vertebrate species. In addition, this alteration is predicted to be tolerated by in silico analysis. Based on the available evidence, the clinical significance of this variant remains unclear.

Labcorp Genetics (formerly Invitae), Labcorp
Classification: Uncertain significance for Gastrointestinal stromal tumor. Last evaluated: 2022-12-03. Review status: criteria provided, single submitter. Criteria: Invitae Variant Classification Sherloc (09022015). Collection method: clinical testing. Allele origin: germline.
Comment: This variant is not present in population databases (gnomAD no frequency). This sequence change replaces arginine, which is basic and polar, with leucine, which is neutral and non-polar, at codon 634 of the KIT protein (p.Arg634Leu). This variant has not been reported in the literature in individuals affected with KIT-related conditions. In summary, the available evidence is currently insufficient to determine the role of this variant in disease. Therefore, it has been classified as a Variant of Uncertain Significance. Algorithms developed to predict the effect of missense changes on protein structure and function (SIFT, PolyPhen-2, Align-GVGD) all suggest that this variant is likely to be disruptive.

NM_000222.3(KIT):c.1901G>T (p.Arg634Leu)

Gene: KIT (KIT proto-oncogene, receptor tyrosine kinase; plus strand). Cytogenetic location: 4q12.
Variant type: single nucleotide variant.
Coding change: c.1901G>T on transcript NM_000222.3 (MANE Select); coding-DNA position 1901, G replaced by T.
Protein change: p.Arg634Leu; replaces arginine 634 with leucine.
Molecular consequence: missense variant.
Genome position (GRCh38, 1-based): chr4:54,728,032, G>T. VCF-style: chr4-54728032-G-T. GRCh37 (hg19) VCF-style: chr4-55594198-G-T.
Other names: c.1889G>T, p.Arg630Leu (NM_001093772.2, NM_001385286.1); c.1904G>T, p.Arg635Leu (NM_001385284.1, NM_001385290.1); c.1901G>T, p.Arg634Leu (NM_001385285.1); c.1892G>T, p.Arg631Leu (NM_001385288.1, NM_001385292.1); short protein forms R631L, R635L, R630L, R634L.
Identifiers: ClinVar variation 2818354 (VCV002818354.4), dbSNP rs766264502, ClinGen allele CA356908467.
Genomic context (GRCh38, chr4:54,728,032, plus strand): 5'-AGTTGTGCTTTTTGCTAAAATGCATGTTTCCAATTTTAGCGAGTGCCCATTTGACAGAAC[G>T]GGAAGCCCTCATGTCTGAACTCAAAGTCCTGAGTTACCTTGGTAATCACATGAATATTGT-3'
Protein context (NP_000213.1, residues 624-644): MLKPSAHLTE[Arg634Leu]EALMSELKVL